The following is an entry in ClinVar:

ClinVar aggregate classification (germline): Pathogenic (1 of 4 stars; one submission).

Conditions:
Acrocallosal syndrome (ACLS). Also called: HALLUX DUPLICATION, POSTAXIAL POLYDACTYLY, AND ABSENCE OF CORPUS CALLOSUM; Schinzel syndrome 1; Absence of corpus callosum with unusual facial appearance, mental deficiency, duplication of the halluces and polydactyly. Identifiers: Orphanet 36, MedGen C0796147, MONDO:0008708, OMIM 200990.

Submission:

Labcorp Genetics (formerly Invitae), Labcorp
Classification: Pathogenic for Acrocallosal syndrome. Last evaluated: 2023-12-10. Review status: criteria provided, single submitter. Criteria: Invitae Variant Classification Sherloc (09022015). Collection method: clinical testing. Allele origin: germline.
Comment: This variant is a gross deletion of the genomic region encompassing exon(s) 12-19 of the KIF7 gene, which includes the termination codon. This deletion extends beyond the assayed region for this gene and therefore may encompass additional genes. While this deletion is not anticipated to lead to nonsense mediated decay, it is expected to alter mRNA translation or result in a truncated protein product. This variant has not been reported in the literature in individuals affected with KIF7-related conditions. This variant disrupts a region of the KIF7 protein in which other variant(s) (p.Asn1060Ser) have been determined to be pathogenic (PMID: 22587682). This suggests that this is a clinically significant region of the protein, and that variants that disrupt it are likely to be disease-causing. For these reasons, this variant has been classified as Pathogenic.

Literature cited by the submitters: PubMed 22587682.

NC_000015.9:g.(?_90171650)_(90177134_?)del

Gene: KIF7 (kinesin family member 7; minus strand). Cytogenetic location: 15q26.1.
Variant type: Deletion.
Identifiers: ClinVar variation 1349038 (VCV001349038.6).